The following is an entry in ClinVar:

NM_001321075.3(DLG4):c.874C>T (p.Arg292Trp)

Genes: DLG4 (discs large MAGUK scaffold protein 4; minus strand), LOC126862479 (MED14-independent group 3 enhancer GRCh37_chr17:7099412-7100611; plus strand). Cytogenetic location: 17p13.1.
Variant type: single nucleotide variant.
Coding change: c.874C>T on transcript NM_001321075.3 (MANE Select); coding-DNA position 874, C replaced by T.
Protein change: p.Arg292Trp; replaces arginine 292 with tryptophan.
Molecular consequence: missense variant. On other transcripts: non-coding transcript variant (1).
Genome position (GRCh38, 1-based): chr17:7,196,966, G>A on the plus strand (C>T on the coding strand, the complement: DLG4 is on the minus strand). VCF-style: chr17-7196966-G-A. GRCh37 (hg19) VCF-style: chr17-7100285-G-A.
Other names: c.865C>T, p.Arg289Trp (NM_001128827.4); c.994C>T, p.Arg332Trp (NM_001321074.1); c.694C>T, p.Arg232Trp (NM_001321076.3, NM_001321077.3); c.1003C>T, p.Arg335Trp (NM_001365.5); c.793C>T, p.Arg265Trp (NM_001369566.3); short protein forms R232W, R265W, R289W, R292W, R332W, R335W.
Identifiers: ClinVar variation 4681852 (VCV004681852.5).
Genomic context (GRCh38, chr17:7,196,966, plus strand): 5'-TCGGTTCTCGGGGAATGTCTTCCTCCCCGAGCAGGTCCTTGGCCACTGGAGAGTAGCGCC[G>A]AGGGGAAGTGGGGGTCATGGCTGTGGGGTAGTCGGTGCCCAGGTAGCTGCTGTGACTGAT-3'
Protein context (NP_001308004.1, residues 282-302): YPTAMTPTSP[Arg292Trp]RYSPVAKDLL

ClinVar aggregate classification (germline): Uncertain significance (1 of 4 stars; one submission).

Submission:

CeGaT Center for Human Genetics Tuebingen
Classification: Uncertain significance. Last evaluated: 2025-12-01. Review status: criteria provided, single submitter. Criteria: CeGaT Center For Human Genetics Tuebingen Variant Classification Criteria Version 2. Collection method: clinical testing. Allele origin: germline. Affected: yes. Observed: 1 variant allele.
Comment: DLG4: PP2, BP4